The following is an entry in ClinVar:

ClinVar aggregate classification (germline): Benign/Likely benign. Review status: criteria provided, multiple submitters, no conflicts (2 of 4 stars). 10 submissions from 4 submitters: Benign (2); Likely benign (7). 1 of the submissions does not count toward it. Last evaluated 2023-10-23.

Conditions:
Geleophysic dysplasia. Identifiers: Orphanet 2623, MedGen C3489726, MONDO:0000127.
Weill-Marchesani syndrome. Also called: WM Syndrome; Mesodermal dysmorphodystrophy congenital. Identifiers: Orphanet 3449, MedGen C0265313, MONDO:0018096.
Familial thoracic aortic aneurysm and aortic dissection (TAAD). Also called: Thoracic aortic aneurysms and dissections. Identifiers: Orphanet 91387, MedGen C4707243, MONDO:0019625.
Acromicric dysplasia (ACMICD). Also called: Acromicric skeletal dysplasia. Identifiers: Orphanet 969, MedGen C0265287, MONDO:0007055, OMIM 102370.
Ectopia lentis 1, isolated, autosomal dominant (ECTOL1). Identifiers: Orphanet 1885, MedGen C3541518, MONDO:0007514, OMIM 129600.
Marfan syndrome (MFS). Also called: FBN1-Related Marfan Syndrome; MARFAN SYNDROME, TYPE I; Marfan syndrome, classic; Marfan syndrome type 1; Marfan's syndrome. Identifiers: Orphanet 284963, Orphanet 558, MedGen C0024796, MONDO:0007947, OMIM 154700.
Stiff skin syndrome (SSKS). Identifiers: Orphanet 2833, MedGen C1861456, MONDO:0008492, OMIM 184900.

Allele frequency attached by ClinVar (database versions not stated): 1000 Genomes Project 0.00140; TOPMed 0.00041; 1000 Genomes Project 30x 0.00109.
gnomAD v4.1: 812 of 1,595,440 alleles (0.051%); highest among the groups gnomAD compares: Admixed American, 0.09%; no homozygotes.

Submissions (11):

ARUP Laboratories, Molecular Genetics and Genomics, ARUP Laboratories
Classification: Benign. Last evaluated: 2023-10-23. Review status: criteria provided, single submitter. Criteria: ARUP Molecular Germline Variant Investigation Process 2024. Collection method: clinical testing. Allele origin: germline.

Illumina Laboratory Services, Illumina
Classification: Likely benign for Weill-Marchesani syndrome. Last evaluated: 2018-01-25. Review status: criteria provided, single submitter. Criteria: ICSL Variant Classification Criteria 13 December 2019. Collection method: clinical testing. Allele origin: germline.
Comment: This variant was observed as part of a predisposition screen in an ostensibly healthy population. A literature search was performed for the gene, cDNA change, and amino acid change (where applicable). No publications were found based on this search. Allele frequency data from public databases allowed determination this variant is unlikely to cause disease. Therefore, this variant is classified as likely benign.

Illumina Laboratory Services, Illumina
Classification: Likely benign for Marfan syndrome. Last evaluated: 2017-04-28. Review status: criteria provided, single submitter. Criteria: ICSL Variant Classification Criteria 13 December 2019. Collection method: clinical testing. Allele origin: germline.
Comment: the same text as in the submission from Illumina Laboratory Services, Illumina above.

Illumina Laboratory Services, Illumina
Classification: Likely benign for Ectopia lentis 1, isolated, autosomal dominant. Last evaluated: 2017-04-28. Review status: criteria provided, single submitter. Criteria: ICSL Variant Classification Criteria 13 December 2019. Collection method: clinical testing. Allele origin: germline.
Comment: the same text as in the submission from Illumina Laboratory Services, Illumina above.

Illumina Laboratory Services, Illumina
Classification: Likely benign for Geleophysic dysplasia. Last evaluated: 2017-04-28. Review status: criteria provided, single submitter. Criteria: ICSL Variant Classification Criteria 13 December 2019. Collection method: clinical testing. Allele origin: germline.
Comment: the same text as in the submission from Illumina Laboratory Services, Illumina above.

Illumina Laboratory Services, Illumina
Classification: Likely benign for Acromicric dysplasia. Last evaluated: 2017-04-28. Review status: criteria provided, single submitter. Criteria: ICSL Variant Classification Criteria 13 December 2019. Collection method: clinical testing. Allele origin: germline.
Comment: the same text as in the submission from Illumina Laboratory Services, Illumina above.

Illumina Laboratory Services, Illumina
Classification: Likely benign for Stiff skin syndrome. Last evaluated: 2017-04-28. Review status: criteria provided, single submitter. Criteria: ICSL Variant Classification Criteria 13 December 2019. Collection method: clinical testing. Allele origin: germline.
Comment: the same text as in the submission from Illumina Laboratory Services, Illumina above.

Illumina Laboratory Services, Illumina
Classification: Likely benign for Familial thoracic aortic aneurysm and aortic dissection. Last evaluated: 2017-04-28. Review status: criteria provided, single submitter. Criteria: ICSL Variant Classification Criteria 13 December 2019. Collection method: clinical testing. Allele origin: germline.
Comment: the same text as in the submission from Illumina Laboratory Services, Illumina above.

GeneDx
Classification: Benign. Last evaluated: 2014-03-08. Review status: criteria provided, single submitter. Criteria: GeneDx Variant Classification (06012015). Collection method: clinical testing. Allele origin: germline. Affected: yes.
Comment: This variant is considered likely benign or benign based on one or more of the following criteria: it is a conservative change, it occurs at a poorly conserved position in the protein, it is predicted to be benign by multiple in silico algorithms, and/or has population frequency not consistent with disease.

Center for Medical Genetics Ghent, University of Ghent
Classification: Likely benign for Marfan syndrome. Last evaluated: 2017-11-07. Review status: no assertion criteria provided. Collection method: clinical testing. Allele origin: germline. Affected: yes. Not counted in ClinVar's aggregate classification.

Dr. Peter K. Rogan Lab, Western University
No classification provided (evidence only). Condition: Thymoma. Review status: no classification provided. Collection method: in vitro. Allele origin: not applicable. Functional consequence: retained intron. Not counted in ClinVar's aggregate classification.

NM_000138.5(FBN1):c.-35C>T

Gene: FBN1 (fibrillin 1; minus strand). Cytogenetic location: 15q21.1.
Variant type: single nucleotide variant.
Coding change: c.-35C>T on transcript NM_000138.5 (MANE Select); 35 bases upstream of the start codon, C replaced by T.
Molecular consequence: 5 prime UTR variant.
Genome position (GRCh38, 1-based): chr15:48,644,804, G>A on the plus strand (C>T on the coding strand, the complement: FBN1 is on the minus strand). VCF-style: chr15-48644804-G-A. GRCh37 (hg19) VCF-style: chr15-48937001-G-A.
Identifiers: ClinVar variation 137301 (VCV000137301.14), dbSNP rs199781948, ClinGen allele CA014362.
Genomic context (GRCh38, chr15:48,644,804, plus strand): 5'-ATCTCCAGCAGACGCCCTCGACGCATGATGCCGAGCCGCCACCGGCTCCCGCCGCCTCTT[G>A]CCGCGCCCGGGGCTCGGTCTGCGGCCGCCGCTGCGCCCTGAAGCGCACCGCGCCGCCGGG-3'